The following is an entry in ClinVar:

NM_022168.4(IFIH1):c.2789A>G (p.Asn930Ser)

Gene: IFIH1 (interferon induced with helicase C domain 1; minus strand). Cytogenetic location: 2q24.2.
Variant type: single nucleotide variant.
Coding change: c.2789A>G on transcript NM_022168.4 (MANE Select); coding-DNA position 2789, A replaced by G.
Protein change: p.Asn930Ser; replaces asparagine 930 with serine.
Molecular consequence: missense variant.
Genome position (GRCh38, 1-based): chr2:162,268,105, T>C on the plus strand (A>G on the coding strand, the complement: IFIH1 is on the minus strand). VCF-style: chr2-162268105-T-C. GRCh37 (hg19) VCF-style: chr2-163124615-T-C.
Other names: short protein forms N930S.
Identifiers: ClinVar variation 1916563 (VCV001916563.6), dbSNP rs765203521, ClinGen allele CA1934076.

ClinVar aggregate classification (germline): Uncertain significance (1 of 4 stars; one submission).

Conditions:
Singleton-Merten syndrome 1 (SGMRT1). Also called: Widened medullary cavities of bone, aortic calcification, abnormal dentition, and muscular weakness; Syndrome of widened medullary cavities of the metacarpals and phalanges, aortic calcification and abnormal dentition. Identifiers: Orphanet 85191, MedGen C4225427, MONDO:0024535, OMIM 182250.
Aicardi-Goutieres syndrome 7 (AGS7). Identifiers: Orphanet 51, MedGen C3888244, MONDO:0014367, OMIM 615846.

Allele frequency attached by ClinVar (database versions not stated): ExAC 0.00001; gnomAD 0.00001; gnomAD exomes 0.00001; TOPMed 0.00001.
gnomAD v4.1: 19 of 1,605,836 alleles (0.0012%); highest among the groups gnomAD compares: Middle Eastern, 0.033%; no homozygotes.

Submissions (2):

Labcorp Genetics (formerly Invitae), Labcorp
Classification: Uncertain significance for Aicardi-Goutieres syndrome 7; Singleton-Merten syndrome 1. Last evaluated: 2023-08-27. Review status: criteria provided, single submitter. Criteria: Invitae Variant Classification Sherloc (09022015). Collection method: clinical testing. Allele origin: germline.
Comment: In summary, the available evidence is currently insufficient to determine the role of this variant in disease. Therefore, it has been classified as a Variant of Uncertain Significance. Advanced modeling of protein sequence and biophysical properties (such as structural, functional, and spatial information, amino acid conservation, physicochemical variation, residue mobility, and thermodynamic stability) has been performed at Invitae for this missense variant, however the output from this modeling did not meet the statistical confidence thresholds required to predict the impact of this variant on IFIH1 protein function. ClinVar contains an entry for this variant (Variation ID: 1916563). This missense change has been observed in at least one individual who was not affected with IFIH1-related conditions (Invitae). This variant has not been reported in the literature in individuals affected with IFIH1-related conditions. This variant is present in population databases (rs765203521, gnomAD 0.003%). This sequence change replaces asparagine, which is neutral and polar, with serine, which is neutral and polar, at codon 930 of the IFIH1 protein (p.Asn930Ser).

Dr. Peter K. Rogan Lab, Western University
No classification provided (evidence only). Condition: Ovarian serous cystadenocarcinoma. Review status: no classification provided. Collection method: in vitro. Allele origin: not applicable. Functional consequence: retained intron. Not counted in ClinVar's aggregate classification.